The following is an entry in ClinVar:

ClinVar aggregate classification (germline): Uncertain significance. Review status: criteria provided, multiple submitters, no conflicts (2 of 4 stars). 3 submissions from 3 submitters: Uncertain significance (3). Last evaluated 2024-11-30.

Conditions:
Inborn genetic diseases. Identifiers: MedGen C0950123, MeSH D030342.

Allele frequency attached by ClinVar (database versions not stated): gnomAD exomes 0.00001 and 0.00002; gnomAD 0.00003; TOPMed 0.00003; ExAC 0.00004.
gnomAD v4.1: 19 of 1,613,314 alleles (0.0012%); highest among the groups gnomAD compares: Middle Eastern, 0.017%; no homozygotes.

Submissions (3):

Labcorp Genetics (formerly Invitae), Labcorp
Classification: Uncertain significance. Last evaluated: 2024-11-30. Review status: criteria provided, single submitter. Criteria: Invitae Variant Classification Sherloc (09022015). Collection method: clinical testing. Allele origin: germline.
Comment: This sequence change replaces glycine, which is neutral and non-polar, with serine, which is neutral and polar, at codon 1257 of the CUL7 protein (p.Gly1257Ser). This variant is present in population databases (rs769005642, gnomAD 0.009%). This variant has not been reported in the literature in individuals affected with CUL7-related conditions. ClinVar contains an entry for this variant (Variation ID: 593374). Invitae Evidence Modeling of protein sequence and biophysical properties (such as structural, functional, and spatial information, amino acid conservation, physicochemical variation, residue mobility, and thermodynamic stability) indicates that this missense variant is not expected to disrupt CUL7 protein function with a negative predictive value of 80%. In summary, the available evidence is currently insufficient to determine the role of this variant in disease. Therefore, it has been classified as a Variant of Uncertain Significance.

Ambry Genetics
Classification: Uncertain significance for Inborn genetic diseases. Last evaluated: 2023-12-21. Review status: criteria provided, single submitter. Criteria: Ambry Variant Classification Scheme 2023. Collection method: clinical testing. Allele origin: germline.

Eurofins Ntd Llc (ga)
Classification: Uncertain significance. Last evaluated: 2017-07-28. Review status: criteria provided, single submitter. Criteria: EGL Classification Definitions 2015. Collection method: clinical testing. Allele origin: germline. Observed: 2 variant alleles, 2 heterozygotes.

NM_014780.5(CUL7):c.3769G>A (p.Gly1257Ser)

Gene: CUL7 (cullin 7; minus strand). Cytogenetic location: 6p21.1.
Variant type: single nucleotide variant.
Coding change: c.3769G>A on transcript NM_014780.5 (MANE Select); coding-DNA position 3769, G replaced by A.
Protein change: p.Gly1257Ser; replaces glycine 1257 with serine.
Molecular consequence: missense variant.
Genome position (GRCh38, 1-based): chr6:43,040,952, C>T on the plus strand (G>A on the coding strand, the complement: CUL7 is on the minus strand). VCF-style: chr6-43040952-C-T. GRCh37 (hg19) VCF-style: chr6-43008690-C-T.
Other names: c.3865G>A, p.Gly1289Ser (NM_001168370.2, NM_001374872.1); c.3769G>A, p.Gly1257Ser (NM_001374873.1); c.3766G>A, p.Gly1256Ser (NM_001374874.1); c.3769G>A (NM_014780.4); short protein forms G1257S, G1256S, G1289S.
Identifiers: ClinVar variation 593374 (VCV000593374.8), dbSNP rs769005642, ClinGen allele CA3813396.